The following is an entry in ClinVar:

ClinVar aggregate classification (germline): Uncertain significance. Review status: criteria provided, multiple submitters, no conflicts (2 of 4 stars). 3 submissions from 3 submitters: Uncertain significance (3). Last evaluated 2026-02-17.

Conditions:
Inborn genetic diseases. Identifiers: MedGen C0950123, MeSH D030342.
Gnathodiaphyseal dysplasia (GDD). Also called: GNATHODIAPHYSEAL SCLEROSIS; OSTEOGENESIS IMPERFECTA WITH UNUSUAL SKELETAL LESIONS. Identifiers: Orphanet 53697, MedGen C1833736, MONDO:0008151, OMIM 166260.
Autosomal recessive limb-girdle muscular dystrophy type 2L (LGMDR12). Also called: Limb-girdle muscular dystrophy, type 2L; Limb-Girdle Muscular Dystrophy R12 Anoctamin-5-Related (LGMD-R12); MUSCULAR DYSTROPHY, LIMB-GIRDLE, AUTOSOMAL RECESSIVE 12. Identifiers: Orphanet 206549, MedGen C1969785, MONDO:0012652, OMIM 611307.

gnomAD v4.1: 6 of 1,613,962 alleles (0.00037%); highest among the groups gnomAD compares: Non-Finnish European, 0.00051%; no homozygotes.

Submissions (3):

Ambry Genetics
Classification: Uncertain significance for Inborn genetic diseases. Last evaluated: 2026-02-17. Review status: criteria provided, single submitter. Criteria: Ambry Variant Classification Scheme 2023. Collection method: clinical testing. Allele origin: germline.

Labcorp Genetics (formerly Invitae), Labcorp
Classification: Uncertain significance for Autosomal recessive limb-girdle muscular dystrophy type 2L; Gnathodiaphyseal dysplasia. Last evaluated: 2024-06-12. Review status: criteria provided, single submitter. Criteria: Invitae Variant Classification Sherloc (09022015). Collection method: clinical testing. Allele origin: germline.
Comment: This sequence change replaces valine, which is neutral and non-polar, with phenylalanine, which is neutral and non-polar, at codon 474 of the ANO5 protein (p.Val474Phe). This variant is not present in population databases (gnomAD no frequency). This variant has not been reported in the literature in individuals affected with ANO5-related conditions. ClinVar contains an entry for this variant (Variation ID: 2439113). Advanced modeling of protein sequence and biophysical properties (such as structural, functional, and spatial information, amino acid conservation, physicochemical variation, residue mobility, and thermodynamic stability) performed at Invitae indicates that this missense variant is not expected to disrupt ANO5 protein function with a negative predictive value of 95%. In summary, the available evidence is currently insufficient to determine the role of this variant in disease. Therefore, it has been classified as a Variant of Uncertain Significance.

Revvity Omics, Revvity
Classification: Uncertain significance. Last evaluated: 2019-06-25. Review status: criteria provided, single submitter. Criteria: ACMG Guidelines, 2015. Collection method: clinical testing. Allele origin: germline.

NM_213599.3(ANO5):c.1420G>T (p.Val474Phe)

Gene: ANO5 (anoctamin 5; plus strand). Cytogenetic location: 11p14.3.
Variant type: single nucleotide variant.
Coding change: c.1420G>T on transcript NM_213599.3 (MANE Select); coding-DNA position 1420, G replaced by T.
Protein change: p.Val474Phe; replaces valine 474 with phenylalanine.
Molecular consequence: missense variant.
Genome position (GRCh38, 1-based): chr11:22,259,531, G>T. VCF-style: chr11-22259531-G-T. GRCh37 (hg19) VCF-style: chr11-22281077-G-T.
Other names: c.1417G>T, p.Val473Phe (NM_001142649.2); c.1378G>T, p.Val460Phe (NM_001410963.1); c.1375G>T, p.Val459Phe (NM_001410964.1); short protein forms V459F, V460F, V473F, V474F.
Identifiers: ClinVar variation 2439113 (VCV002439113.6), dbSNP rs750702622, ClinGen allele CA379921994.